The following is an entry in ClinVar:

NM_002691.4(POLD1):c.2363C>A (p.Ser788Ter)

Gene: POLD1 (DNA polymerase delta 1, catalytic subunit; plus strand). Cytogenetic location: 19q13.33.
Variant type: single nucleotide variant.
Coding change: c.2363C>A on transcript NM_002691.4 (MANE Select); coding-DNA position 2363, C replaced by A.
Protein change: p.Ser788Ter; replaces serine 788 with a stop codon.
Molecular consequence: nonsense. On other transcripts: non-coding transcript variant (1).
Genome position (GRCh38, 1-based): chr19:50,413,854, C>A. VCF-style: chr19-50413854-C-A. GRCh37 (hg19) VCF-style: chr19-50917111-C-A.
Other names: c.2363C>A, p.Ser788Ter (NM_001256849.1); c.2441C>A, p.Ser814Ter (NM_001308632.1); short protein forms S788*, S814*.
Identifiers: ClinVar variation 3656094 (VCV003656094.2).

ClinVar aggregate classification (germline): Uncertain significance (1 of 4 stars; one submission).

Conditions:
POLD1-related polyposis and colorectal cancer syndrome (CRCS10). Also called: Colorectal cancer 10; COLORECTAL CANCER, SUSCEPTIBILITY TO, ON CHROMOSOME 19q; Colorectal cancer, susceptibility to, 10. Identifiers: Orphanet 220460, MedGen C2675481, MONDO:0012953, OMIM 612591.

Submission:

Labcorp Genetics (formerly Invitae), Labcorp
Classification: Uncertain significance for POLD1-related polyposis and colorectal cancer syndrome. Last evaluated: 2025-03-19. Review status: criteria provided, single submitter. Criteria: Invitae Variant Classification Sherloc (09022015). Collection method: clinical testing. Allele origin: germline.
Comment: This sequence change creates a premature translational stop signal (p.Ser788*) in the POLD1 gene. Missense variants that disrupt the 3'-5' exonuclease (proof-reading) activity of the POLD1 protein are associated with PPAP (polymerase proofreading–associated polyposis) (PMID: 23263490, 23447401). However, loss-of-function variants that result in an absent or severely disrupted POLD1 protein, and missense variants outside the exonuclease domain, are unlikely to be associated with PPAP. This variant is not present in population databases (gnomAD no frequency). This variant has not been reported in the literature in individuals affected with POLD1-related conditions. In summary, the available evidence is currently insufficient to determine the role of this variant in disease. Therefore, it has been classified as a Variant of Uncertain Significance.

Literature cited by the submitters: PubMed 23263490; PubMed 23447401.